The following is an entry in ClinVar:

ClinVar aggregate classification (germline): Pathogenic/Likely pathogenic. Review status: criteria provided, multiple submitters, no conflicts (2 of 4 stars). 2 submissions from 2 submitters: Pathogenic (1); Likely pathogenic (1). Last evaluated 2025-06-24.

Conditions:
ABCA1-related disorder. Also called: ABCA1-related condition; ABCA1-related disorders. Identifiers: MedGen CN239173.

gnomAD v4.1: 11 of 1,614,206 alleles (0.00068%); highest among the groups gnomAD compares: African/African-American, 0.0013%; no homozygotes.

Submissions (2):

PreventionGenetics, part of Exact Sciences
Classification: Pathogenic for ABCA1-related condition. Last evaluated: 2025-06-24. Review status: criteria provided, single submitter. Criteria: ACMG Guidelines, 2015. Collection method: clinical testing. Allele origin: germline.
Comment: The ABCA1 c.3808C>T variant is predicted to result in premature protein termination (p.Arg1270*). This variant has been reported in the homozygous state in individuals with Tangier disease (Hooper et al. 2009. PubMed ID: 19723515; Mercan et al. 2018. PubMed ID: 29582519; Karabudak et al. 2024. PubMed ID: 38172008). This variant has not been reported in a large population database (gnomAD), indicating it is rare. Nonsense variants in ABCA1 are expected to be pathogenic. This variant is interpreted as pathogenic.

Laboratory of Genetics, Children's Clinical University Hospital Latvia
Classification: Likely pathogenic. Last evaluated: 2025-02-16. Review status: criteria provided, single submitter. Criteria: ACMG Guidelines, 2015. Collection method: clinical testing. Allele origin: germline. Affected: yes.

NM_005502.4(ABCA1):c.3808C>T (p.Arg1270Ter)

Gene: ABCA1 (ATP binding cassette subfamily A member 1; minus strand). Cytogenetic location: 9q31.1.
Variant type: single nucleotide variant.
Coding change: c.3808C>T on transcript NM_005502.4 (MANE Select); coding-DNA position 3808, C replaced by T.
Protein change: p.Arg1270Ter; replaces arginine 1270 with a stop codon.
Molecular consequence: nonsense.
Genome position (GRCh38, 1-based): chr9:104,814,211, G>A on the plus strand (C>T on the coding strand, the complement: ABCA1 is on the minus strand). VCF-style: chr9-104814211-G-A. GRCh37 (hg19) VCF-style: chr9-107576492-G-A.
Other names: c.3808C>T (NM_005502.3); short protein forms R1270*.
Identifiers: ClinVar variation 3911242 (VCV003911242.2).
Genomic context (GRCh38, chr9:104,814,211, plus strand): 5'-CATCATCTTCAGTGAACGGGCGAAGACAGCTCTGCTTGTCCCCGAAGGCCCGCCTGTTTC[G>A]TCTTGCTGGCAAGGTACCATCTGAAGGCACAAGGAAAGAATCCCATACTTTATTTTATTT-3'